The following is an entry in ClinVar:

ClinVar aggregate classification (germline): Uncertain significance (1 of 4 stars; one submission).

Conditions:
Glycogen storage disease IV, classic hepatic. Also called: GSD IV, CLASSIC HEPATIC. Identifiers: MedGen C1856301.
Glycogen storage disease, type IV (GSD4). Also called: GSD IV; Glycogen storage disease due to glycogen branching enzyme deficiency; AMYLOPECTINOSIS; ANDERSEN DISEASE; BRANCHER DEFICIENCY; CIRRHOSIS, FAMILIAL, WITH DEPOSITION OF ABNORMAL GLYCOGEN. Identifiers: Orphanet 367, MedGen C0017923, MONDO:0009292, OMIM 232500.

gnomAD v4.1: 2 of 1,578,880 alleles (0.00013%); highest among the groups gnomAD compares: Non-Finnish European, 0.00017%; no homozygotes.

Submission:

Labcorp Genetics (formerly Invitae), Labcorp
Classification: Uncertain significance for Glycogen storage disease, type IV; Glycogen storage disease IV, classic hepatic. Last evaluated: 2025-05-13. Review status: criteria provided, single submitter. Criteria: Invitae Variant Classification Sherloc (09022015). Collection method: clinical testing. Allele origin: germline.
Comment: This sequence change replaces phenylalanine, which is neutral and non-polar, with serine, which is neutral and polar, at codon 104 of the GBE1 protein (p.Phe104Ser). This variant is not present in population databases (gnomAD no frequency). This variant has not been reported in the literature in individuals affected with GBE1-related conditions. An algorithm developed to predict the effect of missense changes on protein structure and function (PolyPhen-2) suggests that this variant is likely to be disruptive. In summary, the available evidence is currently insufficient to determine the role of this variant in disease. Therefore, it has been classified as a Variant of Uncertain Significance.

NM_000158.4(GBE1):c.311T>C (p.Phe104Ser)

Gene: GBE1 (1,4-alpha-glucan branching enzyme 1; minus strand). Cytogenetic location: 3p12.2.
Variant type: single nucleotide variant.
Coding change: c.311T>C on transcript NM_000158.4 (MANE Select); coding-DNA position 311, T replaced by C.
Protein change: p.Phe104Ser; replaces phenylalanine 104 with serine.
Molecular consequence: missense variant.
Genome position (GRCh38, 1-based): chr3:81,705,446, A>G on the plus strand (T>C on the coding strand, the complement: GBE1 is on the minus strand). VCF-style: chr3-81705446-A-G. GRCh37 (hg19) VCF-style: chr3-81754597-A-G.
Other names: short protein forms F104S.
Identifiers: ClinVar variation 4793222 (VCV004793222.1).